The following is an entry in ClinVar:

NM_001844.5(COL2A1):c.3165+1G>A

Gene: COL2A1 (collagen type II alpha 1 chain; minus strand). Cytogenetic location: 12q13.11.
Variant type: single nucleotide variant.
Coding change: c.3165+1G>A on transcript NM_001844.5 (MANE Select); the canonical splice donor site of the intron after coding-DNA position 3165, G replaced by A.
Molecular consequence: splice donor variant.
Genome position (GRCh38, 1-based): chr12:47,977,599, C>T on the plus strand (G>A on the coding strand, the complement: COL2A1 is on the minus strand). VCF-style: chr12-47977599-C-T. GRCh37 (hg19) VCF-style: chr12-48371382-C-T.
Other names: c.2958+1G>A (NM_033150.3).
Identifiers: ClinVar variation 5002366 (VCV005002366.1).

ClinVar aggregate classification (germline): Pathogenic (1 of 4 stars; one submission).

Conditions:
COL2A1-related disorder. Also called: COL2A1-related condition; COL2A1-related disorders.

gnomAD v4.1: 1 of 1,614,128 alleles (0.000062%); highest among the groups gnomAD compares: Admixed American, 0.0017%; no homozygotes.

Submission:

PreventionGenetics, part of Exact Sciences
Classification: Pathogenic for COL2A1-related condition. Last evaluated: 2025-05-30. Review status: criteria provided, single submitter. Criteria: ACMG Guidelines, 2015. Collection method: clinical testing. Allele origin: germline.
Comment: The COL2A1 c.3165+1G>A variant is predicted to disrupt the GT donor site and interfere with normal splicing. This variant has been reported in an individual with Stickler syndrome (Choi et al. 2021. PubMed ID: 34680973). This variant is reported in 0.0029% of alleles in individuals of Latino descent in gnomAD. An alternate splicing variant (c.3165+1G>T) has been reported in an individual with Stickler syndrome (Segers et al. 2012. PubMed ID: 22796116). Variants that disrupt the consensus splice donor site in COL2A1 are expected to be pathogenic. This variant is interpreted as pathogenic.